The following is an entry in ClinVar:

ClinVar aggregate classification (germline): Uncertain significance. Review status: criteria provided, multiple submitters, no conflicts (2 of 4 stars). 3 submissions from 3 submitters: Uncertain significance (3). Last evaluated 2025-01-29.

Conditions:
Early-infantile DEE. Also called: Early infantile epileptic encephalopathy; Ohtahara syndrome; Early infantile epileptic encephalopathy with suppression bursts. Identifiers: Orphanet 1934, MedGen C0393706, MONDO:0800491.

Allele frequency attached by ClinVar (database versions not stated): gnomAD exomes below 0.00001; ExAC 0.00001; gnomAD 0.00001; TOPMed 0.00002.
gnomAD v4.1: 8 of 1,613,594 alleles (0.0005%); highest among the groups gnomAD compares: Non-Finnish European, 0.00059%; no homozygotes.

Submissions (3):

GeneDx
Classification: Uncertain significance. Last evaluated: 2025-01-29. Review status: criteria provided, single submitter. Criteria: GeneDx Variant Classification Process June 2021. Collection method: clinical testing. Allele origin: germline. Affected: yes.
Comment: Identified in a patient with epileptic-dyskinetic encephalopathy and inherited from an unaffected father; the patient also had an additional variant in SCN1A (PMID: 34755109); Not observed at significant frequency in large population cohorts (gnomAD); In silico analysis indicates that this missense variant does not alter protein structure/function; This substitution is predicted to be within the transmembrane segment S5 of the fourth homologous domain; This variant is associated with the following publications: (PMID: 34755109)

Labcorp Genetics (formerly Invitae), Labcorp
Classification: Uncertain significance for Early-infantile DEE. Last evaluated: 2022-11-08. Review status: criteria provided, single submitter. Criteria: Invitae Variant Classification Sherloc (09022015). Collection method: clinical testing. Allele origin: germline.
Comment: In summary, the available evidence is currently insufficient to determine the role of this variant in disease. Therefore, it has been classified as a Variant of Uncertain Significance. This variant disrupts the p.Ala1685 amino acid residue in SCN1A. Other variant(s) that disrupt this residue have been determined to be pathogenic (PMID: 11823106, 14672992, 22525008). This suggests that this residue is clinically significant, and that variants that disrupt this residue are likely to be disease-causing. Algorithms developed to predict the effect of missense changes on protein structure and function (SIFT, PolyPhen-2, Align-GVGD) all suggest that this variant is likely to be disruptive. ClinVar contains an entry for this variant (Variation ID: 391762). This variant has not been reported in the literature in individuals affected with SCN1A-related conditions. This variant is present in population databases (rs760249153, gnomAD 0.0009%). This sequence change replaces alanine, which is neutral and non-polar, with serine, which is neutral and polar, at codon 1685 of the SCN1A protein (p.Ala1685Ser).

CeGaT Center for Human Genetics Tuebingen
Classification: Uncertain significance. Last evaluated: 2021-04-01. Review status: criteria provided, single submitter. Criteria: CeGaT Center For Human Genetics Tuebingen Variant Classification Criteria Version 2. Collection method: clinical testing. Allele origin: germline. Affected: yes. Observed: 1 variant allele.

Literature cited by the submitters: PubMed 11823106 (cited by Labcorp Genetics (formerly Invitae), Labcorp); PubMed 14672992 (cited by Labcorp Genetics (formerly Invitae), Labcorp); PubMed 22525008 (cited by Labcorp Genetics (formerly Invitae), Labcorp).

NM_001165963.4(SCN1A):c.5053G>T (p.Ala1685Ser)

Genes: SCN1A (sodium voltage-gated channel alpha subunit 1; minus strand), LOC102724058 (uncharacterized LOC102724058; plus strand). Cytogenetic location: 2q24.3.
Variant type: single nucleotide variant.
Coding change: c.5053G>T on transcript NM_001165963.4 (MANE Select); coding-DNA position 5053, G replaced by T.
Protein change: p.Ala1685Ser; replaces alanine 1685 with serine.
Molecular consequence: missense variant. On other transcripts: non-coding transcript variant (1).
Genome position (GRCh38, 1-based): chr2:165,992,222, C>A on the plus strand (G>T on the coding strand, the complement: SCN1A is on the minus strand). VCF-style: chr2-165992222-C-A. GRCh37 (hg19) VCF-style: chr2-166848732-C-A.
Other names: c.4969G>T, p.Ala1657Ser (NM_001165964.3, NM_001353957.2, NM_001353958.2); c.5053G>T, p.Ala1685Ser (NM_001202435.3, NM_001353948.2); c.5020G>T, p.Ala1674Ser (NM_001353949.2, NM_001353950.2, NM_001353951.2 and 2 more transcripts); c.5017G>T, p.Ala1673Ser (NM_001353954.2, NM_001353955.2); c.4966G>T, p.Ala1656Ser (NM_001353960.2); c.2611G>T, p.Ala871Ser (NM_001353961.2); short protein forms A1674S, A1685S, A1673S, A1656S, A1657S, A871S.
Identifiers: ClinVar variation 391762 (VCV000391762.39), dbSNP rs760249153, ClinGen allele CA1942700.
Genomic context (GRCh38, chr2:165,992,222, plus strand): 5'-ACATGTCATCGATCCCAACTTCCCTCTTAACATAGGCAAAGTTGGACATCCCAAAGATGG[C>A]GTAGATGAACATGACTAGGAAGAGTAGGAGGCCGATGTTAAACAACGCAGGAAGGGACAT-3'
Protein context (NP_001159435.1, residues 1675-1695): LLLFLVMFIY[Ala1685Ser]IFGMSNFAYV